The following is an entry in ClinVar:

NM_004958.4(MTOR):c.5854T>C (p.Leu1952=)

Gene: MTOR (mechanistic target of rapamycin kinase; minus strand). Cytogenetic location: 1p36.22.
Variant type: single nucleotide variant.
Coding change: c.5854T>C on transcript NM_004958.4 (MANE Select); coding-DNA position 5854, T replaced by C.
Protein change: p.Leu1952=; no amino-acid change (leucine 1952 retained).
Molecular consequence: synonymous variant.
Genome position (GRCh38, 1-based): chr1:11,128,510, A>G on the plus strand (T>C on the coding strand, the complement: MTOR is on the minus strand). VCF-style: chr1-11128510-A-G. GRCh37 (hg19) VCF-style: chr1-11188567-A-G.
Other names: c.5854T>C, p.Leu1952= (NM_001386500.1); c.4606T>C, p.Leu1536= (NM_001386501.1).
Identifiers: ClinVar variation 2701741 (VCV002701741.5), dbSNP rs1223664052, ClinGen allele CA415921438.

ClinVar aggregate classification (germline): Likely benign. Review status: criteria provided, multiple submitters, no conflicts (2 of 4 stars). 2 submissions from 2 submitters: Likely benign (2). Last evaluated 2026-04-01.

Allele frequency attached by ClinVar (database versions not stated): gnomAD exomes below 0.00001.
gnomAD v4.1: 2 of 1,614,218 alleles (0.00012%); highest among the groups gnomAD compares: Admixed American, 0.0033%; no homozygotes.

Submissions (2):

CeGaT Center for Human Genetics Tuebingen
Classification: Likely benign. Last evaluated: 2026-04-01. Review status: criteria provided, single submitter. Criteria: CeGaT Center For Human Genetics Tuebingen Variant Classification Criteria Version 2. Collection method: clinical testing. Allele origin: germline. Affected: yes. Observed: 1 variant allele.
Comment: MTOR: BP4, BP7

Labcorp Genetics (formerly Invitae), Labcorp
Classification: Likely benign. Last evaluated: 2023-12-09. Review status: criteria provided, single submitter. Criteria: Invitae Variant Classification Sherloc (09022015). Collection method: clinical testing. Allele origin: germline.